The following is an entry in ClinVar:

NM_018109.4(MTPAP):c.1607C>G (p.Pro536Arg)

Gene: MTPAP (mitochondrial poly(A) polymerase; minus strand). Cytogenetic location: 10p11.23.
Variant type: single nucleotide variant.
Coding change: c.1607C>G on transcript NM_018109.4 (MANE Select); coding-DNA position 1607, C replaced by G.
Protein change: p.Pro536Arg; replaces proline 536 with arginine.
Molecular consequence: missense variant.
Genome position (GRCh38, 1-based): chr10:30,313,751, G>C on the plus strand (C>G on the coding strand, the complement: MTPAP is on the minus strand). VCF-style: chr10-30313751-G-C. GRCh37 (hg19) VCF-style: chr10-30602680-G-C.
Other names: short protein forms P536R.
Identifiers: ClinVar variation 447741 (VCV000447741.11), dbSNP rs147174746, ClinGen allele CA5458918.

ClinVar aggregate classification (germline): Conflicting classifications of pathogenicity. Review status: criteria provided, conflicting classifications (1 of 4 stars). 4 submissions from 4 submitters: Uncertain significance (2); Likely benign (2). Last evaluated 2025-11-28.

Conditions:
Inborn genetic diseases. Identifiers: MedGen C0950123, MeSH D030342.

Allele frequency attached by ClinVar (database versions not stated): gnomAD 0.00034 and 0.00042; TOPMed 0.00034; ExAC 0.00054; gnomAD exomes 0.00060; ESP Exome Variant Server 0.00085; 1000 Genomes Project 30x 0.00094; 1000 Genomes Project 0.00100.
gnomAD v4.1: 1,115 of 1,614,096 alleles (0.069%); highest among the groups gnomAD compares: South Asian, 0.13%; 1 homozygote.

Submissions (4):

Labcorp Genetics (formerly Invitae), Labcorp
Classification: Likely benign. Last evaluated: 2025-11-28. Review status: criteria provided, single submitter. Criteria: Invitae Variant Classification Sherloc (09022015). Collection method: clinical testing. Allele origin: germline.

Ambry Genetics
Classification: Uncertain significance for Inborn genetic diseases. Last evaluated: 2025-08-03. Review status: criteria provided, single submitter. Criteria: Ambry Variant Classification Scheme 2023. Collection method: clinical testing. Allele origin: germline.

GeneDx
Classification: Likely benign. Last evaluated: 2017-05-02. Review status: criteria provided, single submitter. Criteria: GeneDx Variant Classification (06012015). Collection method: clinical testing. Allele origin: germline. Affected: yes.
Comment: This variant is considered likely benign or benign based on one or more of the following criteria: it is a conservative change, it occurs at a poorly conserved position in the protein, it is predicted to be benign by multiple in silico algorithms, and/or has population frequency not consistent with disease.

Athena Diagnostics
Classification: Uncertain significance. Last evaluated: 2016-12-09. Review status: criteria provided, single submitter. Criteria: Athena Diagnostics Criteria. Collection method: clinical testing. Allele origin: germline.